The following is an entry in ClinVar:

ClinVar aggregate classification (germline): Uncertain significance. Review status: criteria provided, multiple submitters, no conflicts (2 of 4 stars). 2 submissions from 2 submitters: Uncertain significance (2). Last evaluated 2024-08-06.

Conditions:
Loeys-Dietz syndrome (LDS). Identifiers: Orphanet 60030, MedGen C2697932, MONDO:0018954.

Allele frequency attached by ClinVar (database versions not stated): gnomAD exomes below 0.00001.
gnomAD v4.1: 1 of 1,613,888 alleles (0.000062%); highest among the groups gnomAD compares: Non-Finnish European, 0.000085%; no homozygotes.

Submissions (2):

All of Us Research Program, National Institutes of Health
Classification: Uncertain significance for Loeys-Dietz syndrome. Last evaluated: 2024-08-06. Review status: criteria provided, single submitter. Criteria: ACMG Guidelines, 2015. Collection method: clinical testing. Allele origin: germline. Inheritance: Autosomal dominant inheritance. Observed: 1 variant allele, 1 heterozygote.
Comment: This study involves interpretation of variants in research participants for the purpose of population health screening. Participant phenotype was not available at the time of variant classification. Additional details can be found in publication PMID: 35346344, PMCID: PMC8962531

GeneDx
Classification: Uncertain significance. Last evaluated: 2023-03-02. Review status: criteria provided, single submitter. Criteria: GeneDx Variant Classification Process June 2021. Collection method: clinical testing. Allele origin: germline. Affected: yes.
Comment: Not observed at significant frequency in large population cohorts (gnomAD); In silico analysis supports that this missense variant has a deleterious effect on protein structure/function; In silico analysis supports that this missense variant has a deleterious effect on splicing; Has not been previously published as pathogenic or benign to our knowledge

NM_004612.4(TGFBR1):c.1255G>A (p.Gly419Arg)

Gene: TGFBR1 (transforming growth factor beta receptor 1; plus strand). Cytogenetic location: 9q22.33.
Variant type: single nucleotide variant.
Coding change: c.1255G>A on transcript NM_004612.4 (MANE Select); coding-DNA position 1255, G replaced by A.
Protein change: p.Gly419Arg; replaces glycine 419 with arginine.
Molecular consequence: missense variant.
Genome position (GRCh38, 1-based): chr9:99,146,609, G>A. VCF-style: chr9-99146609-G-A. GRCh37 (hg19) VCF-style: chr9-101908891-G-A.
Other names: p.G419R:GGA>AGA; c.1024G>A, p.Gly342Arg (NM_001130916.3); c.1267G>A, p.Gly423Arg (NM_001306210.2); short protein forms G419R, G342R, G423R.
Identifiers: ClinVar variation 213892 (VCV000213892.4), dbSNP rs863223827, ClinGen allele CA320733.
Genomic context (GRCh38, chr9:99,146,609, plus strand): 5'-GCTGACATCTATGCAATGGGCTTAGTATTCTGGGAAATTGCTCGACGATGTTCCATTGGT[G>A]GTAAATTGCTCTCCTCTCCCCCAGTAGTTTGTCATGAGCAGAAGTTGTTCAAGAATTGTC-3'
Protein context (NP_004603.1, residues 409-429): WEIARRCSIG[Gly419Arg]IHEDYQLPYY